The following is an entry in ClinVar:

ClinVar aggregate classification (germline): Pathogenic (1 of 4 stars; one submission).

Submission:

Labcorp Genetics (formerly Invitae), Labcorp
Classification: Pathogenic. Last evaluated: 2025-12-16. Review status: criteria provided, single submitter. Criteria: Invitae Variant Classification Sherloc (09022015). Collection method: clinical testing. Allele origin: germline.
Comment: This sequence change creates a premature translational stop signal (p.Ile96Tyrfs*29) in the ALOX12B gene. It is expected to result in an absent or disrupted protein product. Loss-of-function variants in ALOX12B are known to be pathogenic (PMID: 16116617, 23621129, 31046801). This variant is not present in population databases (gnomAD no frequency). This variant has not been reported in the literature in individuals affected with ALOX12B-related conditions. For these reasons, this variant has been classified as Pathogenic.

Literature cited by the submitters: PubMed 16116617; PubMed 23621129; PubMed 31046801.

NM_001139.3(ALOX12B):c.285dup (p.Ile96fs)

Gene: ALOX12B (arachidonate 12-lipoxygenase, 12R type; minus strand). Cytogenetic location: 17p13.1.
Variant type: Duplication.
Coding change: c.285dup on transcript NM_001139.3 (MANE Select); coding-DNA position 285, one base duplicated (T; older notation c.285dupT).
Protein change: p.Ile96fs; shifts the reading frame from isoleucine 96.
Molecular consequence: frameshift variant.
Genome position (GRCh38, 1-based): chr17:8,086,083, A duplicated on the plus strand (T on the coding strand, the reverse complement: ALOX12B is on the minus strand). VCF-style (leftmost placement, unchanged base first): chr17-8086082-T-TA. GRCh37 (hg19) VCF-style: chr17-7989400-T-TA.
Other names: short protein forms I96fs.
Identifiers: ClinVar variation 4733395 (VCV004733395.1).
Genomic context (GRCh38, chr17:8,086,082, plus strand): 5'-CCTCCCGGAGTGCCAGGGTCTCGTAGCCATCCATCCACTGGTAGGCGGGGAAGTGGTAGA[T>TA]ACGGCCGTTGGGGGCACAGATCTGCACATAGTTGCAGTACCAAGGGTCCTTGGGGAAGAA-3'